The following is an entry in ClinVar:

NM_024312.5(GNPTAB):c.991del (p.Tyr331fs)

Gene: GNPTAB (N-acetylglucosamine-1-phosphate transferase subunits alpha and beta; minus strand). Cytogenetic location: 12q23.2.
Variant type: Deletion.
Coding change: c.991del on transcript NM_024312.5 (MANE Select); coding-DNA position 991, one base deleted (T; older notation c.991delT).
Protein change: p.Tyr331fs; shifts the reading frame from tyrosine 331.
Molecular consequence: frameshift variant.
Genome position (GRCh38, 1-based): chr12:101,770,528, A deleted on the plus strand (T on the coding strand, the reverse complement: GNPTAB is on the minus strand). VCF-style (leftmost placement, unchanged base first): chr12-101770527-TA-T. GRCh37 (hg19) VCF-style: chr12-102164305-TA-T.
Other names: short protein forms Y331fs.
Identifiers: ClinVar variation 959391 (VCV000959391.7), dbSNP rs1953155498, ClinGen allele CA1139662833.

ClinVar aggregate classification (germline): Pathogenic (1 of 4 stars; one submission).

Conditions:
Mucolipidosis type II. Also called: Mucolipidosis 2; ML 2; Inclusion cell disease; Leroy Disease; N-acetylglucosamine 1phosphotransferase deficiency; ML disorder type 2. Identifiers: Orphanet 576, MedGen C2673377, MONDO:0009650, OMIM 252500.
Pseudo-Hurler polydystrophy. Also called: ML IIIA; Mucolipidosis III Alpha/Beta; MUCOLIPIDOSIS IIIA; ML III; ML III ALPHA/BETA; Type III Mucolipidosis. Identifiers: Orphanet 423461, Orphanet 577, MedGen C0033788, MONDO:0018931, OMIM 252600.

Submission:

Labcorp Genetics (formerly Invitae), Labcorp
Classification: Pathogenic for Pseudo-Hurler polydystrophy; Mucolipidosis type II. Last evaluated: 2019-08-12. Review status: criteria provided, single submitter. Criteria: Invitae Variant Classification Sherloc (09022015). Collection method: clinical testing. Allele origin: germline.
Comment: This sequence change creates a premature translational stop signal (p.Tyr331Thrfs*28) in the GNPTAB gene. It is expected to result in an absent or disrupted protein product. This variant is not present in population databases (ExAC no frequency). This variant has not been reported in the literature in individuals with GNPTAB-related conditions. Loss-of-function variants in GNPTAB are known to be pathogenic (PMID: 19617216, 25107912). For these reasons, this variant has been classified as Pathogenic.

Literature cited by the submitters: PubMed 19617216; PubMed 25107912.